The following is an entry in ClinVar:

ClinVar aggregate classification (germline): Uncertain significance (1 of 4 stars; one submission).

Conditions:
3-methylglutaconic aciduria type 1 (MGCA1). Identifiers: Orphanet 67046, MedGen C0342727, MONDO:0009610, OMIM 250950.

Allele frequency attached by ClinVar (database versions not stated): TOPMed below 0.00001.

Submission:

Labcorp Genetics (formerly Invitae), Labcorp
Classification: Uncertain significance for 3-methylglutaconic aciduria type 1. Last evaluated: 2022-03-28. Review status: criteria provided, single submitter. Criteria: Invitae Variant Classification Sherloc (09022015). Collection method: clinical testing. Allele origin: germline.
Comment: This sequence change replaces isoleucine, which is neutral and non-polar, with valine, which is neutral and non-polar, at codon 128 of the AUH protein (p.Ile128Val). This variant is not present in population databases (gnomAD no frequency). This variant has not been reported in the literature in individuals affected with AUH-related conditions. Algorithms developed to predict the effect of missense changes on protein structure and function (SIFT, PolyPhen-2, Align-GVGD) all suggest that this variant is likely to be tolerated. In summary, the available evidence is currently insufficient to determine the role of this variant in disease. Therefore, it has been classified as a Variant of Uncertain Significance.

NM_001698.3(AUH):c.382A>G (p.Ile128Val)

Gene: AUH (AU RNA binding methylglutaconyl-CoA hydratase; minus strand). Cytogenetic location: 9q22.31.
Variant type: single nucleotide variant.
Coding change: c.382A>G on transcript NM_001698.3 (MANE Select); coding-DNA position 382, A replaced by G.
Protein change: p.Ile128Val; replaces isoleucine 128 with valine.
Molecular consequence: missense variant.
Genome position (GRCh38, 1-based): chr9:91,355,919, T>C on the plus strand (A>G on the coding strand, the complement: AUH is on the minus strand). VCF-style: chr9-91355919-T-C. GRCh37 (hg19) VCF-style: chr9-94118201-T-C.
Other names: c.382A>G, p.Ile128Val (NM_001306190.2); c.55A>G, p.Ile19Val (NM_001351431.2, NM_001351432.2, NM_001351433.2); short protein forms I128V, I19V.
Identifiers: ClinVar variation 1968389 (VCV001968389.4), dbSNP rs1004127773, ClinGen allele CA195930544.